The following is an entry in ClinVar:

ClinVar aggregate classification (germline): Uncertain significance (1 of 4 stars; one submission).

Conditions:
Dilated cardiomyopathy 1O (CMD1O). Also called: CARDIOMYOPATHY, DILATED, WITH VENTRICULAR TACHYCARDIA. Identifiers: Orphanet 154, MedGen C1837839, MONDO:0012062, OMIM 608569.

Submission:

Labcorp Genetics (formerly Invitae), Labcorp
Classification: Uncertain significance for Dilated cardiomyopathy 1O. Last evaluated: 2025-04-09. Review status: criteria provided, single submitter. Criteria: Invitae Variant Classification Sherloc (09022015). Collection method: clinical testing. Allele origin: germline.
Comment: This sequence change replaces alanine, which is neutral and non-polar, with threonine, which is neutral and polar, at codon 946 of the ABCC9 protein (p.Ala946Thr). This variant is not present in population databases (gnomAD no frequency). This variant has not been reported in the literature in individuals affected with ABCC9-related conditions. Invitae Evidence Modeling of protein sequence and biophysical properties (such as structural, functional, and spatial information, amino acid conservation, physicochemical variation, residue mobility, and thermodynamic stability) indicates that this missense variant is not expected to disrupt ABCC9 protein function with a negative predictive value of 95%. In summary, the available evidence is currently insufficient to determine the role of this variant in disease. Therefore, it has been classified as a Variant of Uncertain Significance.

NM_020297.4(ABCC9):c.2836G>A (p.Ala946Thr)

Gene: ABCC9 (ATP binding cassette subfamily C member 9; minus strand). Cytogenetic location: 12p12.1.
Variant type: single nucleotide variant.
Coding change: c.2836G>A on transcript NM_020297.4 (MANE Select); coding-DNA position 2836, G replaced by A.
Protein change: p.Ala946Thr; replaces alanine 946 with threonine.
Molecular consequence: missense variant.
Genome position (GRCh38, 1-based): chr12:21,848,180, C>T on the plus strand (G>A on the coding strand, the complement: ABCC9 is on the minus strand). VCF-style: chr12-21848180-C-T. GRCh37 (hg19) VCF-style: chr12-22001114-C-T.
Other names: c.2836G>A, p.Ala946Thr (NM_001377273.1, NM_005691.4); c.1969G>A, p.Ala657Thr (NM_001377274.1); short protein forms A657T, A946T.
Identifiers: ClinVar variation 4800241 (VCV004800241.1).